The following is an entry in ClinVar:

ClinVar aggregate classification (germline): Pathogenic/Likely pathogenic. Review status: criteria provided, multiple submitters, no conflicts (2 of 4 stars). 2 submissions from 2 submitters: Pathogenic (1); Likely pathogenic (1). Last evaluated 2026-04-03.

Conditions:
DDX41-related disorder. Also called: DDX41-related condition.
Inborn genetic diseases. Identifiers: MedGen C0950123, MeSH D030342.

Submissions (2):

Ambry Genetics
Classification: Likely pathogenic for Inborn genetic diseases. Last evaluated: 2026-04-03. Review status: criteria provided, single submitter. Criteria: Ambry Variant Classification Scheme 2023. Collection method: clinical testing. Allele origin: germline.
Comment: The c.1098+1G>A intronic variant results from a G to A substitution one nucleotide after coding exon 10 of the DDX41 gene. This variant is considered to be rare based on population cohorts in the Genome Aggregation Database (gnomAD). This nucleotide position is highly conserved in available vertebrate species. In silico splice site analysis predicts that this alteration will weaken the native splice donor site. Alterations that disrupt the canonical splice site are expected to cause aberrant splicing, resulting in an abnormal protein or a transcript that is subject to nonsense-mediated mRNA decay. As such, this alteration is classified as likely pathogenic.

PreventionGenetics, part of Exact Sciences
Classification: Pathogenic for DDX41-related condition. Last evaluated: 2026-03-23. Review status: criteria provided, single submitter. Criteria: ACMG Guidelines, 2015. Collection method: clinical testing. Allele origin: germline.
Comment: The DDX41 c.1098+1G>A variant is predicted to disrupt the GT donor site and interfere with normal splicing. This variant has been reported in individuals with acute myeloid leukemia (Table S2, Duployez et al. 2022. PubMed ID: 35443031). This variant has not been reported in a large population database (gnomAD), indicating this variant is rare. Variants that disrupt the consensus splice donor site in DDX41 are expected to be pathogenic. This variant is interpreted as pathogenic.

NM_016222.4(DDX41):c.1098+1G>A

Gene: DDX41 (DEAD-box helicase 41; minus strand). Cytogenetic location: 5q35.3.
Variant type: single nucleotide variant.
Coding change: c.1098+1G>A on transcript NM_016222.4 (MANE Select); the canonical splice donor site of the intron after coding-DNA position 1098, G replaced by A.
Molecular consequence: splice donor variant.
Genome position (GRCh38, 1-based): chr5:177,513,684, C>T on the plus strand (G>A on the coding strand, the complement: DDX41 is on the minus strand). VCF-style: chr5-177513684-C-T. GRCh37 (hg19) VCF-style: chr5-176940685-C-T.
Other names: c.1098+1G>A (NM_016222.3); c.720+1G>A (NM_001321830.2, NM_001321732.2).
Identifiers: ClinVar variation 4869637 (VCV004869637.2).